The following is an entry in ClinVar:

ClinVar aggregate classification (germline): Uncertain significance (1 of 4 stars; one submission).

Conditions:
Progressive myoclonic epilepsy type 3. Also called: KCTD7-Related Progressive Myoclonic Epilepsy; EPILEPSY, PROGRESSIVE MYOCLONIC, 3, WITHOUT INTRACELLULAR INCLUSIONS; EPILEPSY, PROGRESSIVE MYOCLONIC, 3, WITH OR WITHOUT INTRACELLULAR INCLUSIONS; CEROID LIPOFUSCINOSIS, NEURONAL, 14. Identifiers: Orphanet 263516, MedGen C2673257, MONDO:0012721, OMIM 611726.

Submission:

Labcorp Genetics (formerly Invitae), Labcorp
Classification: Uncertain significance for Progressive myoclonic epilepsy type 3. Last evaluated: 2024-02-23. Review status: criteria provided, single submitter. Criteria: Invitae Variant Classification Sherloc (09022015). Collection method: clinical testing. Allele origin: germline.
Comment: This sequence change replaces leucine, which is neutral and non-polar, with valine, which is neutral and non-polar, at codon 210 of the KCTD7 protein (p.Leu210Val). This variant is not present in population databases (gnomAD no frequency). This variant has not been reported in the literature in individuals affected with KCTD7-related conditions. ClinVar contains an entry for this variant (Variation ID: 1715017). Advanced modeling of protein sequence and biophysical properties (such as structural, functional, and spatial information, amino acid conservation, physicochemical variation, residue mobility, and thermodynamic stability) performed at Invitae indicates that this missense variant is not expected to disrupt KCTD7 protein function with a negative predictive value of 80%. In summary, the available evidence is currently insufficient to determine the role of this variant in disease. Therefore, it has been classified as a Variant of Uncertain Significance.

NM_153033.5(KCTD7):c.628C>G (p.Leu210Val)

Gene: KCTD7 (potassium channel tetramerization domain containing 7; plus strand). Cytogenetic location: 7q11.21.
Variant type: single nucleotide variant.
Coding change: c.628C>G on transcript NM_153033.5 (MANE Select); coding-DNA position 628, C replaced by G.
Protein change: p.Leu210Val; replaces leucine 210 with valine.
Molecular consequence: missense variant.
Genome position (GRCh38, 1-based): chr7:66,638,990, C>G. VCF-style: chr7-66638990-C-G. GRCh37 (hg19) VCF-style: chr7-66103977-C-G.
Other names: c.628C>G, p.Leu210Val (NM_001167961.2); short protein forms L210V.
Identifiers: ClinVar variation 1715017 (VCV001715017.6), dbSNP rs1270153985, ClinGen allele CA367697025.
Genomic context (GRCh38, chr7:66,638,990, plus strand): 5'-GTCTGTGTCTTCAAGGAGGAGATGCCCATCACCCCCTATGAGTGTCCGCTCCTCAACTCC[C>G]TGCGATTTGAGCGGAGTGAGAGTGACGGGCAGCTTTTTGAGCACCACTGTGAAGTGGATG-3'
Protein context (NP_694578.1, residues 200-220): TPYECPLLNS[Leu210Val]RFERSESDGQ